The following is an entry in ClinVar:

NM_001182.5(ALDH7A1):c.1344T>A (p.Asn448Lys)

Gene: ALDH7A1 (aldehyde dehydrogenase 7 family member A1; minus strand). Cytogenetic location: 5q23.2.
Variant type: single nucleotide variant.
Coding change: c.1344T>A on transcript NM_001182.5 (MANE Select); coding-DNA position 1344, T replaced by A.
Protein change: p.Asn448Lys; replaces asparagine 448 with lysine.
Molecular consequence: missense variant.
Genome position (GRCh38, 1-based): chr5:126,550,267, A>T on the plus strand (T>A on the coding strand, the complement: ALDH7A1 is on the minus strand). VCF-style: chr5-126550267-A-T. GRCh37 (hg19) VCF-style: chr5-125885959-A-T.
Other names: c.1260T>A, p.Asn420Lys (NM_001201377.2); c.1152T>A, p.Asn384Lys (NM_001202404.2); short protein forms N448K, N420K, N384K.
Identifiers: ClinVar variation 2910308 (VCV002910308.10), dbSNP rs2480252837, ClinGen allele CA360721825.

ClinVar aggregate classification (germline): Pathogenic/Likely pathogenic. Review status: criteria provided, multiple submitters, no conflicts (2 of 4 stars). 3 submissions from 3 submitters: Pathogenic (1); Likely pathogenic (2). Last evaluated 2025-07-21.

Conditions:
Pyridoxine-dependent epilepsy (EPEO4). Also called: Pyridoxine-Dependent Seizures; EPILEPSY, EARLY-ONSET, 4, VITAMIN B6-DEPENDENT; PYRIDOXINE DEPENDENCY WITH SEIZURES; Pyridoxine-Dependent Epilepsy - ALDH7A1. Identifiers: Orphanet 3006, MedGen C1849508, MONDO:0009945, OMIM 266100. Disease mechanism: loss of function.

Allele frequency attached by ClinVar (database versions not stated): gnomAD exomes 0.00001.
gnomAD v4.1: 6 of 1,613,532 alleles (0.00037%); highest among the groups gnomAD compares: Non-Finnish European, 0.00042%; no homozygotes.

Submissions (3):

Women's Health and Genetics/Laboratory Corporation of America, LabCorp
Classification: Likely pathogenic for Pyridoxine-dependent epilepsy. Last evaluated: 2025-07-21. Review status: criteria provided, single submitter. Criteria: LabCorp Variant Classification Summary - May 2015. Collection method: clinical testing. Allele origin: germline.
Comment: Variant summary: ALDH7A1 c.1344T>A (p.Asn448Lys) results in a non-conservative amino acid change in the encoded protein sequence. Algorithms developed to predict the effect of missense changes on protein structure and function all suggest that this variant is likely to be disruptive. The variant was absent in 251190 control chromosomes. c.1344T>A has been observed in the compound heterozygous state in individuals affected with Pyridoxine-Dependent Epilepsy (vanKarnebeek_2012, Scharer_2010, Bennett_2009, Mathis_2016). These data indicate that the variant is likely to be associated with disease. To our knowledge, no experimental evidence demonstrating an impact on protein function has been reported. This variant is also known as c.1260T>A (p.N420K). The following publications have been ascertained in the context of this evaluation (PMID: 19128417, 27342130, 20814824, 23022070). ClinVar contains an entry for this variant (Variation ID: 2910308). Based on the evidence outlined above, the variant was classified as likely pathogenic.

Institute of Human Genetics Munich, TUM University Hospital
Classification: Likely pathogenic for Pyridoxine-dependent epilepsy. Last evaluated: 2024-11-20. Review status: criteria provided, single submitter. Criteria: Classification criteria August 2017. Collection method: clinical testing. Allele origin: germline. Inheritance: Autosomal recessive inheritance. Affected: yes. Observed: 1 variant allele.

Labcorp Genetics (formerly Invitae), Labcorp
Classification: Pathogenic for Pyridoxine-dependent epilepsy. Last evaluated: 2023-03-11. Review status: criteria provided, single submitter. Criteria: Invitae Variant Classification Sherloc (09022015). Collection method: clinical testing. Allele origin: germline.
Comment: For these reasons, this variant has been classified as Pathogenic. Advanced modeling of protein sequence and biophysical properties (such as structural, functional, and spatial information, amino acid conservation, physicochemical variation, residue mobility, and thermodynamic stability) performed at Invitae indicates that this missense variant is expected to disrupt ALDH7A1 protein function. This variant is also known as c.1260T>A (p.N420K), c.1344T>A (G143R). This missense change has been observed in individual(s) with pyridoxine-dependent epilepsy (PMID: 19128417, 20814824, 23022070). This variant is not present in population databases (gnomAD no frequency). This sequence change replaces asparagine, which is neutral and polar, with lysine, which is basic and polar, at codon 448 of the ALDH7A1 protein (p.Asn448Lys).

Literature cited by the submitters: PubMed 19128417 (cited by Women's Health and Genetics/Laboratory Corporation of America, LabCorp and Labcorp Genetics (formerly Invitae), Labcorp); PubMed 20814824 (cited by Women's Health and Genetics/Laboratory Corporation of America, LabCorp and Labcorp Genetics (formerly Invitae), Labcorp); PubMed 27342130 (cited by Women's Health and Genetics/Laboratory Corporation of America, LabCorp); PubMed 23022070 (cited by Women's Health and Genetics/Laboratory Corporation of America, LabCorp and Labcorp Genetics (formerly Invitae), Labcorp).